The following is an entry in ClinVar:

ClinVar aggregate classification (germline): Likely benign (0 of 4 stars; one submission).

Conditions:
CIC-related disorder. Also called: CIC-related condition.

Allele frequency attached by ClinVar (database versions not stated): gnomAD exomes 0.00006; ExAC 0.00023; ESP Exome Variant Server 0.00032; gnomAD 0.00069; TOPMed 0.00074; 1000 Genomes Project 0.00140; 1000 Genomes Project 30x 0.00172.
gnomAD v4.1: 193 of 1,612,980 alleles (0.012%); highest among the groups gnomAD compares: African/African-American, 0.25%; no homozygotes.

Submission:

PreventionGenetics, part of Exact Sciences
Classification: Likely benign for CIC-related condition. Last evaluated: 2019-11-26. Review status: no assertion criteria provided. Collection method: clinical testing. Allele origin: germline.
Comment: This variant is classified as likely benign based on ACMG/AMP sequence variant interpretation guidelines (Richards et al. 2015 PMID: 25741868, with internal and published modifications).

NM_001386298.1(CIC):c.5613+7G>T

Gene: CIC (capicua transcriptional repressor; plus strand). Cytogenetic location: 19q13.2.
Variant type: single nucleotide variant.
Coding change: c.5613+7G>T on transcript NM_001386298.1 (MANE Select); 7 bases into the intron after coding-DNA position 5613, G replaced by T.
Molecular consequence: intron variant.
Genome position (GRCh38, 1-based): chr19:42,291,752, G>T. VCF-style: chr19-42291752-G-T. GRCh37 (hg19) VCF-style: chr19-42795904-G-T.
Other names: c.5613+7G>T (NM_001304815.2, NM_001379482.1, NM_001379480.1); c.2886+7G>T (NM_015125.5, NM_001379484.1, NM_001379485.1).
Identifiers: ClinVar variation 3048645 (VCV003048645.2), dbSNP rs188235518, ClinGen allele CA9472407.